The following is an entry in ClinVar:

NM_019098.5(CNGB3):c.1496_1497del (p.Leu499fs)

Gene: CNGB3 (cyclic nucleotide gated channel subunit beta 3; minus strand). Cytogenetic location: 8q21.3.
Variant type: Deletion.
Coding change: c.1496_1497del on transcript NM_019098.5 (MANE Select); coding-DNA positions 1496 to 1497, 2 bases deleted (TT; older notation c.1496_1497delTT).
Protein change: p.Leu499fs; shifts the reading frame from leucine 499.
Molecular consequence: frameshift variant.
Genome position (GRCh38, 1-based): chr8:86,626,064-86,626,065, AA deleted on the plus strand (TT on the coding strand, the reverse complement: CNGB3 is on the minus strand). VCF-style (leftmost placement, unchanged base first): chr8-86626063-TAA-T. GRCh37 (hg19) VCF-style: chr8-87638291-TAA-T.
Other names: short protein forms L499fs.
Identifiers: ClinVar variation 1725281 (VCV001725281.2), dbSNP rs2538079442, ClinGen allele CA2580078964.

ClinVar aggregate classification (germline): Likely pathogenic (1 of 4 stars; one submission).

Conditions:
Achromatopsia 3 (ACHM3). Also called: TOTAL COLORBLINDNESS WITH MYOPIA; ROD MONOCHROMACY 1; ROD MONOCHROMATISM 1; PINGELAPESE BLINDNESS; ACHROMATOPSIA WITH MYOPIA. Identifiers: Orphanet 49382, MedGen C1849792, MONDO:0009875, OMIM 262300.

Submission:

Myriad Genetics, Inc.
Classification: Likely pathogenic for Achromatopsia 3. Last evaluated: 2022-03-15. Review status: criteria provided, single submitter. Criteria: Myriad Women's Health Autosomal Recessive and X-Linked Classification Criteria (2021). Collection method: clinical testing. Allele origin: unknown.
Comment: NM_019098.4(CNGB3):c.1496_1497delTT(L499Qfs*14) is expected to be pathogenic in the context of CNGB3-related achromatopsia. This variant is predicted to lead to an abnormal or absent protein product due to the creation of a premature termination codon in CNGB3, a gene where loss-of-function variants are known to be pathogenic. Please note: this variant was assessed in the context of healthy population screening.